The following is an entry in ClinVar:

NM_001114633.2(PLA2G4B):c.2305C>T (p.Arg769Cys)

Genes: JMJD7-PLA2G4B (JMJD7-PLA2G4B readthrough; plus strand), PLA2G4B (phospholipase A2 group IVB; plus strand). Cytogenetic location: 15q15.1.
Variant type: single nucleotide variant.
Coding change: c.2305C>T on transcript NM_001114633.2 (MANE Select); coding-DNA position 2305, C replaced by T.
Protein change: p.Arg769Cys; replaces arginine 769 with cysteine.
Molecular consequence: missense variant. On other transcripts: 3 prime UTR variant (1).
Genome position (GRCh38, 1-based): chr15:41,847,819, C>T. VCF-style: chr15-41847819-C-T. GRCh37 (hg19) VCF-style: chr15-42140017-C-T.
Other names: c.*129C>T (NM_001198588.2); c.2998C>T, p.Arg1000Cys (NM_005090.4); short protein forms R1000C, R769C.
Identifiers: ClinVar variation 983095 (VCV000983095.4), dbSNP rs150600168, ClinGen allele CA7500534.

ClinVar aggregate classification (germline): Uncertain significance. Review status: criteria provided, multiple submitters, no conflicts (2 of 4 stars). 3 submissions from 3 submitters: Uncertain significance (2). 1 of the submissions does not count toward it. Last evaluated 2019-01-01.

Conditions:
JMJD7-PLA2G4B-related disorder. Also called: JMJD7-PLA2G4B-related condition.
Neurodevelopmental disorder. Identifiers: MedGen C1535926, MeSH D065886, MONDO:0700092.

Allele frequency attached by ClinVar (database versions not stated): TOPMed 0.00068; ESP Exome Variant Server 0.00077; 1000 Genomes Project 30x 0.00078; 1000 Genomes Project 0.00100; ExAC 0.00183; gnomAD 0.00192 and 0.00199; gnomAD exomes 0.00210.
gnomAD v4.1: 2,215 of 1,608,154 alleles (0.14%); highest among the groups gnomAD compares: Non-Finnish European, 0.09%; 12 homozygotes.

Submissions (3):

Institute of Human Genetics, University of Leipzig Medical Center
Classification: Uncertain significance for Neurodevelopmental disorder. Last evaluated: 2019-01-01. Review status: criteria provided, single submitter. Criteria: ACMG Guidelines, 2015. Collection method: clinical testing. Allele origin: unknown. Affected: yes.
Comment: This variant was identified as compound heterozygous.

Breakthrough Genomics
Classification: Uncertain significance. Review status: criteria provided, single submitter. Criteria: ACMG Guidelines, 2015. Collection method: not provided. Allele origin: germline. Inheritance: Unknown mechanism. Affected: yes.

PreventionGenetics, part of Exact Sciences
Classification: Benign for JMJD7-PLA2G4B-related condition. Last evaluated: 2019-02-22. Review status: no assertion criteria provided. Collection method: clinical testing. Allele origin: germline. Not counted in ClinVar's aggregate classification.
Comment: This variant is classified as benign based on ACMG/AMP sequence variant interpretation guidelines (Richards et al. 2015 PMID: 25741868, with internal and published modifications).